The following is an entry in ClinVar:

ClinVar aggregate classification (germline): Uncertain significance (1 of 4 stars; one submission).

Allele frequency attached by ClinVar (database versions not stated): ExAC 0.00001; gnomAD exomes 0.00001.
gnomAD v4.1: 9 of 1,612,768 alleles (0.00056%); highest among the groups gnomAD compares: South Asian, 0.0088%; no homozygotes.

Submission:

Labcorp Genetics (formerly Invitae), Labcorp
Classification: Uncertain significance. Last evaluated: 2022-07-09. Review status: criteria provided, single submitter. Criteria: Invitae Variant Classification Sherloc (09022015). Collection method: clinical testing. Allele origin: germline.
Comment: This sequence change replaces tyrosine, which is neutral and polar, with histidine, which is basic and polar, at codon 70 of the DUOX2 protein (p.Tyr70His). This variant is present in population databases (rs756135332, gnomAD 0.003%). This variant has not been reported in the literature in individuals affected with DUOX2-related conditions. Algorithms developed to predict the effect of missense changes on protein structure and function (SIFT, PolyPhen-2, Align-GVGD) all suggest that this variant is likely to be disruptive. In summary, the available evidence is currently insufficient to determine the role of this variant in disease. Therefore, it has been classified as a Variant of Uncertain Significance.

NM_001363711.2(DUOX2):c.208T>C (p.Tyr70His)

Gene: DUOX2 (dual oxidase 2; minus strand). Cytogenetic location: 15q21.1.
Variant type: single nucleotide variant.
Coding change: c.208T>C on transcript NM_001363711.2 (MANE Select); coding-DNA position 208, T replaced by C.
Protein change: p.Tyr70His; replaces tyrosine 70 with histidine.
Molecular consequence: missense variant.
Genome position (GRCh38, 1-based): chr15:45,112,671, A>G on the plus strand (T>C on the coding strand, the complement: DUOX2 is on the minus strand). VCF-style: chr15-45112671-A-G. GRCh37 (hg19) VCF-style: chr15-45404869-A-G.
Other names: c.208T>C, p.Tyr70His (NM_014080.5); short protein forms Y70H.
Identifiers: ClinVar variation 2015422 (VCV002015422.4), dbSNP rs756135332, ClinGen allele CA7539069.
Genomic context (GRCh38, chr15:45,112,671, plus strand): 5'-GCGTGGCTGCGTTGCTGAGCCGGCGCGGGTTGGGCAGCTGCGGCTCCTCCAGAGCCTGAT[A>G]CACACCGTCGGCGTAATTGGCTGGTACGCGGCGCTGCAACCGGCAGCCTGCGGAGGCAGG-3'
Protein context (NP_001350640.1, residues 60-80): RVPANYADGV[Tyr70His]QALEEPQLPN